The following is an entry in ClinVar:

ClinVar aggregate classification (germline): Benign/Likely benign. Review status: criteria provided, multiple submitters, no conflicts (2 of 4 stars). 6 submissions from 6 submitters: Benign (5); Likely benign (1). Last evaluated 2026-02-03.

Conditions:
Tumor predisposition syndrome 3 (TPDS3). Also called: Glioma susceptibility 9; Melanoma, cutaneous malignant, susceptibility to, 10; LONG TELOMERE SYNDROME, POT1-RELATED; POT1 Tumor Predisposition. Identifiers: Orphanet 618, MedGen C4014476, MONDO:0014368, OMIM 615848.
Hereditary cancer-predisposing syndrome. Also called: Hereditary neoplastic syndrome; Tumor predisposition; Neoplastic Syndromes, Hereditary; Hereditary Cancer Syndrome. Identifiers: Orphanet 140162, MedGen C0027672, MeSH D009386, MONDO:0015356.

Allele frequency attached by ClinVar (database versions not stated): gnomAD exomes 0.00031 and 0.00114; gnomAD 0.00035 and 0.00040; TOPMed 0.00054; ExAC 0.00098; 1000 Genomes Project 0.00100; 1000 Genomes Project 30x 0.00109.
gnomAD v4.1: 566 of 1,613,178 alleles (0.035%); highest among the groups gnomAD compares: East Asian, 1.1%; 5 homozygotes.

Submissions (6):

Labcorp Genetics (formerly Invitae), Labcorp
Classification: Benign for Tumor predisposition syndrome 3. Last evaluated: 2026-02-03. Review status: criteria provided, single submitter. Criteria: Invitae Variant Classification Sherloc (09022015). Collection method: clinical testing. Allele origin: germline.

CeGaT Center for Human Genetics Tuebingen
Classification: Likely benign. Last evaluated: 2025-04-01. Review status: criteria provided, single submitter. Criteria: CeGaT Center For Human Genetics Tuebingen Variant Classification Criteria Version 2. Collection method: clinical testing. Allele origin: germline. Affected: yes. Observed: 1 variant allele.
Comment: POT1: BP4, BS1

Center for Genomic Medicine, Rigshospitalet, Copenhagen University Hospital
Classification: Benign. Last evaluated: 2025-03-04. Review status: criteria provided, single submitter. Criteria: ACMG Guidelines, 2015. Collection method: clinical testing. Allele origin: germline.

GeneDx
Classification: Benign. Last evaluated: 2019-11-19. Review status: criteria provided, single submitter. Criteria: GeneDx Variant Classification Process June 2021. Collection method: clinical testing. Allele origin: germline. Affected: yes.

Genetic Services Laboratory, University of Chicago
Classification: Benign. Last evaluated: 2018-07-26. Review status: criteria provided, single submitter. Criteria: ACMG Guidelines, 2015. Collection method: clinical testing. Allele origin: germline. Affected: no.

Ambry Genetics
Classification: Benign for Hereditary cancer-predisposing syndrome. Last evaluated: 2017-02-28. Review status: criteria provided, single submitter. Criteria: Ambry Variant Classification Scheme 2023. Collection method: clinical testing. Allele origin: germline.

NM_015450.3(POT1):c.846C>T (p.Asn282=)

Gene: POT1 (protection of telomeres 1; minus strand). Cytogenetic location: 7q31.33.
Variant type: single nucleotide variant.
Coding change: c.846C>T on transcript NM_015450.3 (MANE Select); coding-DNA position 846, C replaced by T.
Protein change: p.Asn282=; no amino-acid change (asparagine 282 retained).
Molecular consequence: synonymous variant. On other transcripts: non-coding transcript variant (3).
Genome position (GRCh38, 1-based): chr7:124,852,995, G>A on the plus strand (C>T on the coding strand, the complement: POT1 is on the minus strand). VCF-style: chr7-124852995-G-A. GRCh37 (hg19) VCF-style: chr7-124493049-G-A.
Other names: c.453C>T, p.Asn151= (NM_001042594.2).
Identifiers: ClinVar variation 475107 (VCV000475107.34), dbSNP rs142704514, ClinGen allele CA4465346.